The following is an entry in ClinVar:

NM_002778.4(PSAP):c.257T>A (p.Ile86Asn)

Gene: PSAP (prosaposin; minus strand). Cytogenetic location: 10q22.1.
Variant type: single nucleotide variant.
Coding change: c.257T>A on transcript NM_002778.4 (MANE Select); coding-DNA position 257, T replaced by A.
Protein change: p.Ile86Asn; replaces isoleucine 86 with asparagine.
Molecular consequence: missense variant.
Genome position (GRCh38, 1-based): chr10:71,831,244, A>T on the plus strand (T>A on the coding strand, the complement: PSAP is on the minus strand). VCF-style: chr10-71831244-A-T. GRCh37 (hg19) VCF-style: chr10-73591001-A-T.
Other names: c.257T>A (NM_002778.3); c.257T>A, p.Ile86Asn (NM_001042465.3, NM_001042466.3); short protein forms I86N.
Identifiers: ClinVar variation 521912 (VCV000521912.8), dbSNP rs1554881272, ClinGen allele CA377154031.
Genomic context (GRCh38, chr10:71,831,244, plus strand): 5'-CATGAAGCAGACATGTTCGGTTTCGGAAGCCAGTCACAGGTCTTCTCCAAGTAAACAAGG[A>T]TCTCCTCCTACGAGAGGACACCAGGGTCAGAATCACGATAGGCTTTCCTCCCTGGAAATA-3'
Protein context (NP_002769.1, residues 76-96): MLKDNATEEE[Ile86Asn]LVYLEKTCDW

ClinVar aggregate classification (germline): Conflicting classifications of pathogenicity. Review status: criteria provided, conflicting classifications (1 of 4 stars). 4 submissions from 4 submitters: Likely pathogenic (1); Uncertain significance (1). 2 of the submissions do not count toward it. Last evaluated 2023-04-13.

Conditions:
Krabbe disease due to saposin A deficiency. Also called: Saposin A Deficiency; KRABBE DISEASE, ATYPICAL, DUE TO SAPOSIN A DEFICIENCY. Identifiers: Orphanet 487, MedGen C2673266, MONDO:0012720, OMIM 611722.
PSAP-related disorder. Also called: PSAP-related condition.
Inborn genetic diseases. Identifiers: MedGen C0950123, MeSH D030342.

Submissions (4):

Ambry Genetics
Classification: Likely pathogenic for Inborn genetic diseases. Last evaluated: 2023-04-13. Review status: criteria provided, single submitter. Criteria: Ambry Variant Classification Scheme 2023. Collection method: clinical testing. Allele origin: germline.
Comment: The c.257T>A (p.I86N) alteration is located in exon 4 (coding exon 4) of the PSAP gene. This alteration results from a T to A substitution at nucleotide position 257, causing the isoleucine (I) at amino acid position 86 to be replaced by an asparagine (N). This variant was not reported in population-based cohorts in the Genome Aggregation Database (gnomAD). This alteration was detected in a homozygous state in two individuals with limited phenotypic information with one individual reported as presenting with spasticity and the other reported as presenting with leukodystrophy and neuropathy (Ganapathy, 2019). Additionally, this alteration was detected in a homozygous state in an individual presenting with developmental regression, brain atrophy, seizures, and elevated psychosine levels (Calderwood, 2020). This amino acid position is well conserved in available vertebrate species. The p.I86N amino acid is located in the saposin-A region of the protein (Calderwood, 2020). The in silico prediction for this alteration is inconclusive. Based on the available evidence, this alteration is classified as likely pathogenic.

Blueprint Genetics
Classification: Uncertain significance. Last evaluated: 2018-11-01. Review status: criteria provided, single submitter. Criteria: ACMG Guidelines, 2015. Collection method: clinical testing. Allele origin: germline.

PreventionGenetics, part of Exact Sciences
Classification: Likely pathogenic for PSAP-related condition. Last evaluated: 2024-04-12. Review status: no assertion criteria provided. Collection method: clinical testing. Allele origin: germline. Not counted in ClinVar's aggregate classification.
Comment: The PSAP c.257T>A variant is predicted to result in the amino acid substitution p.Ile86Asn. This variant has been reported in the homozygous state in multiple individuals with Krabbe disease or metachromatic leukodystrophy (Calderwood et al. 2020. PubMed ID: 31439510; Table S6, Ganapathy et al. 2019. PubMed ID: 31069529). This variant has not been reported in a large population database, indicating this variant is rare. This variant is interpreted as likely pathogenic.

OMIM
Classification: Pathogenic for KRABBE DISEASE, ATYPICAL, DUE TO SAPOSIN A DEFICIENCY. Last evaluated: 2021-10-22. Review status: no assertion criteria provided. Collection method: literature only. Allele origin: germline. Not counted in ClinVar's aggregate classification.

Literature cited by the submitters: PubMed 31069529 (cited by Ambry Genetics); PubMed 31439510 (cited by Ambry Genetics and OMIM).